The following is an entry in ClinVar:

NM_001429.4(EP300):c.6181C>T (p.Pro2061Ser)

Gene: EP300 (EP300 lysine acetyltransferase; plus strand). Cytogenetic location: 22q13.2.
Variant type: single nucleotide variant.
Coding change: c.6181C>T on transcript NM_001429.4 (MANE Select); coding-DNA position 6181, C replaced by T.
Protein change: p.Pro2061Ser; replaces proline 2061 with serine.
Molecular consequence: missense variant.
Genome position (GRCh38, 1-based): chr22:41,177,892, C>T. VCF-style: chr22-41177892-C-T. GRCh37 (hg19) VCF-style: chr22-41573896-C-T.
Other names: c.6103C>T, p.Pro2035Ser (NM_001362843.2); short protein forms P2035S, P2061S.
Identifiers: ClinVar variation 3604472 (VCV003604472.2).

ClinVar aggregate classification (germline): Uncertain significance (1 of 4 stars; one submission).

Conditions:
Rubinstein-Taybi syndrome due to EP300 haploinsufficiency. Also called: EP300-Related Rubinstein-Taybi Syndrome; RUBINSTEIN-TAYBI SYNDROME 2. Identifiers: Orphanet 353284, Orphanet 783, MedGen C3150941, MONDO:0013364, OMIM 613684.

gnomAD v4.1: 2 of 1,614,084 alleles (0.00012%); highest among the groups gnomAD compares: Non-Finnish European, 0.00017%; no homozygotes.

Submission:

Labcorp Genetics (formerly Invitae), Labcorp
Classification: Uncertain significance for Rubinstein-Taybi syndrome due to EP300 haploinsufficiency. Last evaluated: 2024-11-04. Review status: criteria provided, single submitter. Criteria: Invitae Variant Classification Sherloc (09022015). Collection method: clinical testing. Allele origin: germline.
Comment: This sequence change replaces proline, which is neutral and non-polar, with serine, which is neutral and polar, at codon 2061 of the EP300 protein (p.Pro2061Ser). This variant is not present in population databases (gnomAD no frequency). This variant has not been reported in the literature in individuals affected with EP300-related conditions. Invitae Evidence Modeling of protein sequence and biophysical properties (such as structural, functional, and spatial information, amino acid conservation, physicochemical variation, residue mobility, and thermodynamic stability) indicates that this missense variant is not expected to disrupt EP300 protein function with a negative predictive value of 80%. In summary, the available evidence is currently insufficient to determine the role of this variant in disease. Therefore, it has been classified as a Variant of Uncertain Significance.